The following is an entry in ClinVar:

NM_015459.5(ATL3):c.1170C>A (p.Phe390Leu)

Genes: ATL3 (atlastin GTPase 3; minus strand), LNCROPM (lncRNA regulator of PLAAT3 mediated phospholipid metabolism; plus strand), LOC126861231 (CDK7 strongly-dependent group 2 enhancer GRCh37_chr11:63398741-63399940; plus strand). Cytogenetic location: 11q13.1.
Variant type: single nucleotide variant.
Coding change: c.1170C>A on transcript NM_015459.5 (MANE Select); coding-DNA position 1170, C replaced by A.
Protein change: p.Phe390Leu; replaces phenylalanine 390 with leucine.
Molecular consequence: missense variant.
Genome position (GRCh38, 1-based): chr11:63,631,409, G>T on the plus strand (C>A on the coding strand, the complement: ATL3 is on the minus strand). VCF-style: chr11-63631409-G-T. GRCh37 (hg19) VCF-style: chr11-63398881-G-T.
Other names: c.1116C>A, p.Phe372Leu (NM_001290048.2); short protein forms F372L, F390L.
Identifiers: ClinVar variation 2729745 (VCV002729745.3), dbSNP rs752427656, ClinGen allele CA6063565.
Genomic context (GRCh38, chr11:63,631,409, plus strand): 5'-GCTGAAATCCTTCCCACCCATCTTCTTGGTCTTCTTAAAATGGTCCAGAGCAAGTTGTTT[G>T]AATTCACAGTGCTTCTCCTCTAGAATGTCTGGAGACAAATAAGGTTTCTCTCCCCCACAA-3'
Protein context (NP_056274.3, residues 380-400): PDILEEKHCE[Phe390Leu]KQLALDHFKK

ClinVar aggregate classification (germline): Uncertain significance (1 of 4 stars; one submission).

Conditions:
Neuropathy, hereditary sensory, type 1F. Also called: HSN IF; Hereditary sensory neuropathy type IF. Identifiers: Orphanet 36386, MedGen C3810194, MONDO:0014286, OMIM 615632.

Allele frequency attached by ClinVar (database versions not stated): ExAC 0.00001.
gnomAD v4.1: 2 of 1,614,104 alleles (0.00012%); highest among the groups gnomAD compares: Non-Finnish European, 0.00017%; no homozygotes.

Submission:

Labcorp Genetics (formerly Invitae), Labcorp
Classification: Uncertain significance for Neuropathy, hereditary sensory, type 1F. Last evaluated: 2025-08-12. Review status: criteria provided, single submitter. Criteria: Invitae Variant Classification Sherloc (09022015). Collection method: clinical testing. Allele origin: germline.
Comment: This sequence change replaces phenylalanine, which is neutral and non-polar, with leucine, which is neutral and non-polar, at codon 390 of the ATL3 protein (p.Phe390Leu). This variant is present in population databases (rs752427656, gnomAD 0.0009%). This variant has not been reported in the literature in individuals affected with ATL3-related conditions. ClinVar contains an entry for this variant (Variation ID: 2729745). Invitae Evidence Modeling of protein sequence and biophysical properties (such as structural, functional, and spatial information, amino acid conservation, physicochemical variation, residue mobility, and thermodynamic stability) indicates that this missense variant is not expected to disrupt ATL3 protein function with a negative predictive value of 80%. In summary, the available evidence is currently insufficient to determine the role of this variant in disease. Therefore, it has been classified as a Variant of Uncertain Significance.